The following is an entry in ClinVar:

ClinVar aggregate classification (germline): Benign (1 of 4 stars; one submission).

Submission:

GeneDx
Classification: Benign. Last evaluated: 2018-06-19. Review status: criteria provided, single submitter. Criteria: GeneDx Variant Classification (06012015). Collection method: clinical testing. Allele origin: germline. Affected: yes.
Comment: This variant is considered likely benign or benign based on one or more of the following criteria: it is a conservative change, it occurs at a poorly conserved position in the protein, it is predicted to be benign by multiple in silico algorithms, and/or has population frequency not consistent with disease.

NM_018699.4(PRDM5):c.1031-121del

Gene: PRDM5 (PR/SET domain 5; minus strand). Cytogenetic location: 4q27.
Variant type: Deletion.
Coding change: c.1031-121del on transcript NM_018699.4 (MANE Select); 121 bases into the intron before coding-DNA position 1031, one base deleted (T; older notation c.1031-121delT).
Molecular consequence: intron variant.
Genome position (GRCh38, 1-based): chr4:120,798,545, A deleted on the plus strand (T on the coding strand, the reverse complement: PRDM5 is on the minus strand); the first of 6 consecutive A bases (chr4:120,798,545-120,798,550); deleting any one gives the same sequence. VCF-style (leftmost placement, unchanged base first): chr4-120798544-TA-T. GRCh37 (hg19) VCF-style: chr4-121719699-TA-T.
Other names: c.938-121del (NM_001300824.2, NM_001379106.1, NM_001300823.2); c.1031-88del (NM_001379104.1).
Identifiers: ClinVar variation 679622 (VCV000679622.1), dbSNP rs144058009, ClinGen allele CA105119526.